The following is an entry in ClinVar:

ClinVar aggregate classification (germline): Pathogenic (1 of 4 stars; one submission).

Conditions:
Duchenne muscular dystrophy (DMD). Also called: Duchenne Muscular Dystrophy (DMD); MUSCULAR DYSTROPHY, PSEUDOHYPERTROPHIC PROGRESSIVE, DUCHENNE TYPE. Identifiers: Orphanet 98896, MedGen C0013264, MONDO:0010679, OMIM 310200.

Submission:

Labcorp Genetics (formerly Invitae), Labcorp
Classification: Pathogenic for Duchenne muscular dystrophy. Last evaluated: 2023-07-25. Review status: criteria provided, single submitter. Criteria: Invitae Variant Classification Sherloc (09022015). Collection method: clinical testing. Allele origin: germline.
Comment: For these reasons, this variant has been classified as Pathogenic. A similar copy number variant has been observed in individual(s) with Duchenne muscular dystrophy (PMID: 17259292, 18752307). This variant is a gross deletion of the genomic region encompassing exon(s) 46-53 of the DMD gene. This deletion is out-of-frame, and is expected to create a premature termination codon and result in an absent or disrupted protein product. Loss-of-function variants in DMD are known to be pathogenic (PMID: 16770791, 25007885).

Literature cited by the submitters: PubMed 17259292; PubMed 18752307; PubMed 16770791; PubMed 25007885.

NC_000023.10:g.(?_31697472)_(31950364_?)del

Gene: DMD (dystrophin; minus strand). Cytogenetic location: Xp21.1.
Variant type: Deletion.
Identifiers: ClinVar variation 1460414 (VCV001460414.8).